The following is an entry in ClinVar:

ClinVar aggregate classification (germline): Benign/Likely benign. Review status: criteria provided, multiple submitters, no conflicts (2 of 4 stars). 3 submissions from 3 submitters: Benign (2); Likely benign (1). Last evaluated 2026-01-24.

Conditions:
Focal segmental glomerulosclerosis 3, susceptibility to (FSGS3). Identifiers: Orphanet 656, MedGen C1842982, MONDO:0011917, OMIM 607832.

Allele frequency attached by ClinVar (database versions not stated): gnomAD 0.00006 and 0.00008; TOPMed 0.00011; 1000 Genomes Project 30x 0.00031; 1000 Genomes Project 0.00040.
gnomAD v4.1: 102 of 1,586,468 alleles (0.0064%); highest among the groups gnomAD compares: East Asian, 0.15%; 1 homozygote.

Submissions (3):

Labcorp Genetics (formerly Invitae), Labcorp
Classification: Benign. Last evaluated: 2026-01-24. Review status: criteria provided, single submitter. Criteria: Invitae Variant Classification Sherloc (09022015). Collection method: clinical testing. Allele origin: germline.

Blueprint Genetics
Classification: Likely benign. Last evaluated: 2024-03-08. Review status: criteria provided, single submitter. Criteria: ACMG Guidelines, 2015. Collection method: clinical testing. Allele origin: germline.

Illumina Laboratory Services, Illumina
Classification: Benign for Focal segmental glomerulosclerosis 3, susceptibility to. Last evaluated: 2018-01-13. Review status: criteria provided, single submitter. Criteria: ICSL Variant Classification Criteria 13 December 2019. Collection method: clinical testing. Allele origin: germline.
Comment: This variant was observed in the ICSL laboratory as part of a predisposition screen in an ostensibly healthy population. It had not been previously curated by ICSL or reported in the Human Gene Mutation Database (HGMD: prior to June 1st, 2018), and was therefore a candidate for classification through an automated scoring system. Utilizing variant allele frequency, disease prevalence and penetrance estimates, and inheritance mode, an automated score was calculated to assess if this variant is too frequent to cause the disease. Based on the score and internal cut-off values, a variant classified as benign is not then subjected to further curation. The score for this variant resulted in a classification of benign for this disease.

NM_012120.3(CD2AP):c.1531-15T>A

Gene: CD2AP (CD2 associated protein; plus strand). Cytogenetic location: 6p12.3.
Variant type: single nucleotide variant.
Coding change: c.1531-15T>A on transcript NM_012120.3 (MANE Select); 15 bases into the intron before coding-DNA position 1531, T replaced by A.
Molecular consequence: intron variant.
Genome position (GRCh38, 1-based): chr6:47,607,912, T>A. VCF-style: chr6-47607912-T-A. GRCh37 (hg19) VCF-style: chr6-47575648-T-A.
Identifiers: ClinVar variation 357175 (VCV000357175.13), dbSNP rs200506346, ClinGen allele CA3844371.